The following is an entry in ClinVar:

ClinVar aggregate classification (germline): Uncertain significance (1 of 4 stars; one submission).

Conditions:
Autosomal recessive limb-girdle muscular dystrophy type 2Y (MRRSDC). Also called: Muscular dystrophy, limb-girdle, type 2y; Muscular dystrophy, autosomal recessive, with rigid spine and distal joint contractures. Identifiers: Orphanet 424261, MedGen C4511482, MONDO:0014900, OMIM 617072.

Submission:

Labcorp Genetics (formerly Invitae), Labcorp
Classification: Uncertain significance for Autosomal recessive limb-girdle muscular dystrophy type 2Y. Last evaluated: 2022-08-02. Review status: criteria provided, single submitter. Criteria: Invitae Variant Classification Sherloc (09022015). Collection method: clinical testing. Allele origin: germline.
Comment: This sequence change creates a premature translational stop signal (p.Glu428Asnfs*33) in the TOR1AIP1 gene. While this is not anticipated to result in nonsense mediated decay, it is expected to disrupt the last 157 amino acid(s) of the TOR1AIP1 protein. This variant is not present in population databases (gnomAD no frequency). This variant has not been reported in the literature in individuals affected with TOR1AIP1-related conditions. Experimental studies and prediction algorithms are not available or were not evaluated, and the functional significance of this variant is currently unknown. Algorithms developed to predict the effect of sequence changes on RNA splicing suggest that this variant may create or strengthen a splice site. In summary, the available evidence is currently insufficient to determine the role of this variant in disease. Therefore, it has been classified as a Variant of Uncertain Significance.

NM_015602.4(TOR1AIP1):c.1279del (p.Glu427fs)

Gene: TOR1AIP1 (torsin 1A interacting protein 1; plus strand). Cytogenetic location: 1q25.2.
Variant type: Deletion.
Coding change: c.1279del on transcript NM_015602.4 (MANE Select); coding-DNA position 1279, one base deleted (G; older notation c.1279delG).
Protein change: p.Glu427fs; shifts the reading frame from glutamic acid 427.
Molecular consequence: frameshift variant.
Genome position (GRCh38, 1-based): chr1:179,917,766, G deleted. VCF-style (leftmost placement, unchanged base first): chr1-179917765-TG-T. GRCh37 (hg19) VCF-style: chr1-179886900-TG-T.
Other names: c.1282del, p.Glu428fs (NM_001267578.2); short protein forms E428fs, E427fs.
Identifiers: ClinVar variation 2021176 (VCV002021176.1), dbSNP rs2526651292, ClinGen allele CA2580061529.
Genomic context (GRCh38, chr1:179,917,765, plus strand): 5'-GCCTGCTATCTTACTGCTCACTGCTGCCCGAGATGCTGAAGAAGCACTTAGGTGTCTGAG[TG>T]AACAAATTGCTGATGCCTATTCTTCTTTTCGTAGTGTCCGTGCCATCCGGATTGATGGGA-3'